The following is an entry in ClinVar:

NM_022124.6(CDH23):c.9078-1G>C

Gene: CDH23 (cadherin related 23; plus strand). Cytogenetic location: 10q22.1.
Variant type: single nucleotide variant.
Coding change: c.9078-1G>C on transcript NM_022124.6 (MANE Select); the canonical splice acceptor site of the intron before coding-DNA position 9078, G replaced by C.
Molecular consequence: splice acceptor variant.
Genome position (GRCh38, 1-based): chr10:71,811,314, G>C. VCF-style: chr10-71811314-G-C. GRCh37 (hg19) VCF-style: chr10-73571071-G-C.
Other names: c.2358-1G>C (NM_001171933.1, NM_001171934.1).
Identifiers: ClinVar variation 4816097 (VCV004816097.1).

ClinVar aggregate classification (germline): Likely pathogenic (1 of 4 stars; one submission).

Conditions:
Usher syndrome type 1 (USH1). Also called: RETINITIS PIGMENTOSA AND CONGENITAL DEAFNESS. Identifiers: Orphanet 231169, Orphanet 886, MedGen C1568247, MONDO:0010168, OMIM 276900.

Submission:

Natera, Inc.
Classification: Likely pathogenic for Usher syndrome type 1. Last evaluated: 2025-06-23. Review status: criteria provided, single submitter. Criteria: Natera Variant Classification Schema (03/2026). Collection method: clinical testing. Allele origin: germline.
Comment: The c.9078-1G>C variant in CDH23 is a canonical splice acceptor site variant predicted to affect pre-mRNA splicing, which may result in an abnormal transcript and altered protein product. This variant is expected to result in nonsense mediated decay, truncation, or a dysfunctional protein product. This variant is rare in the general population with a frequency below the threshold expected for the associated phenotype(s). Given the available evidence, this variant is classified as Likely Pathogenic.